The following is an entry in ClinVar:

ClinVar aggregate classification (germline): Uncertain significance. Review status: criteria provided, multiple submitters, no conflicts (2 of 4 stars). 3 submissions from 3 submitters: Uncertain significance (3). Last evaluated 2024-10-02.

Conditions:
Hereditary cancer-predisposing syndrome. Also called: Hereditary Cancer Syndrome; Hereditary neoplastic syndrome; Neoplastic Syndromes, Hereditary; Tumor predisposition. Identifiers: Orphanet 140162, MedGen C0027672, MeSH D009386, MONDO:0015356.
Intellectual disability, autosomal dominant 16 (CSS4). Also called: COFFIN-SIRIS SYNDROME 4. Identifiers: Orphanet 1465, MedGen C3553249, MONDO:0013821, OMIM 614609.
Rhabdoid tumor predisposition syndrome 2 (RTPS2). Identifiers: Orphanet 231108, Orphanet 69077, MedGen C2750074, MONDO:0013224, OMIM 613325.

Allele frequency attached by ClinVar (database versions not stated): gnomAD exomes below 0.00001.
gnomAD v4.1: 1 of 1,613,830 alleles (0.000062%); highest among the groups gnomAD compares: Non-Finnish European, 0.000085%; no homozygotes.

Submissions (3):

Labcorp Genetics (formerly Invitae), Labcorp
Classification: Uncertain significance for Rhabdoid tumor predisposition syndrome 2. Last evaluated: 2024-10-02. Review status: criteria provided, single submitter. Criteria: Invitae Variant Classification Sherloc (09022015). Collection method: clinical testing. Allele origin: germline.
Comment: This sequence change replaces isoleucine, which is neutral and non-polar, with valine, which is neutral and non-polar, at codon 1306 of the SMARCA4 protein (p.Ile1306Val). This variant is not present in population databases (gnomAD no frequency). This variant has not been reported in the literature in individuals affected with SMARCA4-related conditions. ClinVar contains an entry for this variant (Variation ID: 408643). Invitae Evidence Modeling of protein sequence and biophysical properties (such as structural, functional, and spatial information, amino acid conservation, physicochemical variation, residue mobility, and thermodynamic stability) has been performed for this missense variant. However, the output from this modeling did not meet the statistical confidence thresholds required to predict the impact of this variant on SMARCA4 protein function. In summary, the available evidence is currently insufficient to determine the role of this variant in disease. Therefore, it has been classified as a Variant of Uncertain Significance.

Ambry Genetics
Classification: Uncertain significance for Hereditary cancer-predisposing syndrome. Last evaluated: 2022-01-25. Review status: criteria provided, single submitter. Criteria: Ambry Variant Classification Scheme 2023. Collection method: clinical testing. Allele origin: germline.
Comment: The p.I1306V variant (also known as c.3916A>G), located in coding exon 27 of the SMARCA4 gene, results from an A to G substitution at nucleotide position 3916. The isoleucine at codon 1306 is replaced by valine, an amino acid with highly similar properties. This amino acid position is highly conserved in available vertebrate species. In addition, the in silico prediction for this alteration is inconclusive. Missense and in-frame variants in SMARCA4 are known to cause neurodevelopmental disorders; however, such associations with rhabdoid tumor predisposition syndrome including small cell carcinoma of the ovary-hypercalcemic type (SCCOHT) are exceedingly rare (Kosho T et al. Am J Med Genet C Semin Med Genet. 2014 Sep;166C(3):262-75; Jelinic P et al. Nat Genet. 2014 May;46(5):424-6). Based on the supporting evidence, the association of this alteration with Coffin-Siris syndrome is unknown; however, the association of this alteration with rhabdoid tumor predisposition syndrome is unlikely.

Genome-Nilou Lab
Classification: Uncertain significance for Intellectual disability, autosomal dominant 16. Last evaluated: 2021-07-15. Review status: criteria provided, single submitter. Criteria: ACMG Guidelines, 2015. Collection method: clinical testing. Allele origin: germline. Affected: no.

NM_003072.5(SMARCA4):c.3916A>G (p.Ile1306Val)

Gene: SMARCA4 (SWI/SNF related BAF chromatin remodeling complex subunit ATPase 4; plus strand). Cytogenetic location: 19p13.2.
Variant type: single nucleotide variant.
Coding change: c.3916A>G on transcript NM_003072.5 (MANE Select); coding-DNA position 3916, A replaced by G.
Protein change: p.Ile1306Val; replaces isoleucine 1306 with valine.
Molecular consequence: missense variant. On other transcripts: non-coding transcript variant (1).
Genome position (GRCh38, 1-based): chr19:11,034,165, A>G. VCF-style: chr19-11034165-A-G. GRCh37 (hg19) VCF-style: chr19-11144841-A-G.
Other names: c.3916A>G, p.Ile1306Val (NM_001128844.3, NM_001128849.3, NM_001387283.1); c.3817A>G, p.Ile1273Val (NM_001128845.2, NM_001128846.2, NM_001128847.4 and 2 more transcripts); short protein forms I1306V, I1273V.
Identifiers: ClinVar variation 408643 (VCV000408643.14), dbSNP rs1060502080, ClinGen allele CA16616175.